The following is an entry in ClinVar:

ClinVar aggregate classification (germline): Uncertain significance (1 of 4 stars; one submission).

Allele frequency attached by ClinVar (database versions not stated): ExAC 0.00005; gnomAD exomes 0.00005 and 0.00006; gnomAD 0.00006; TOPMed 0.00009.
gnomAD v4.1: 106 of 1,612,536 alleles (0.0066%); highest among the groups gnomAD compares: Admixed American, 0.01%; no homozygotes.

Submission:

Labcorp Genetics (formerly Invitae), Labcorp
Classification: Uncertain significance. Last evaluated: 2024-07-28. Review status: criteria provided, single submitter. Criteria: Invitae Variant Classification Sherloc (09022015). Collection method: clinical testing. Allele origin: germline.
Comment: This sequence change replaces methionine, which is neutral and non-polar, with valine, which is neutral and non-polar, at codon 813 of the ATR protein (p.Met813Val). This variant is present in population databases (rs769648140, gnomAD 0.01%). This variant has not been reported in the literature in individuals affected with ATR-related conditions. ClinVar contains an entry for this variant (Variation ID: 1492135). An algorithm developed to predict the effect of missense changes on protein structure and function (PolyPhen-2) suggests that this variant¬†is likely to be tolerated. In summary, the available evidence is currently insufficient to determine the role of this variant in disease. Therefore, it has been classified as a Variant of Uncertain Significance.

NM_001184.4(ATR):c.2437A>G (p.Met813Val)

Gene: ATR (ATR checkpoint kinase; minus strand). Cytogenetic location: 3q23.
Variant type: single nucleotide variant.
Coding change: c.2437A>G on transcript NM_001184.4 (MANE Select); coding-DNA position 2437, A replaced by G.
Protein change: p.Met813Val; replaces methionine 813 with valine.
Molecular consequence: missense variant.
Genome position (GRCh38, 1-based): chr3:142,553,920, T>C on the plus strand (A>G on the coding strand, the complement: ATR is on the minus strand). VCF-style: chr3-142553920-T-C. GRCh37 (hg19) VCF-style: chr3-142272762-T-C.
Other names: c.2245A>G, p.Met749Val (NM_001354579.2); short protein forms M749V, M813V.
Identifiers: ClinVar variation 1492135 (VCV001492135.5), dbSNP rs769648140, ClinGen allele CA2650360.
Genomic context (GRCh38, chr3:142,553,920, plus strand): 5'-CCAATATGTGCTTGATATTTCCACTAAAAGCCACTCTAACATCTTTGTCTGGATCTTCCA[T>C]TAAATTTAATAAAGTTCCAAGAACTGCTTTTACATCTGTTTCATCTTCTCTAAAATCAAG-3'
Protein context (NP_001175.2, residues 803-823): KAVLGTLLNL[Met813Val]EDPDKDVRVA